The following is an entry in ClinVar:

ClinVar aggregate classification (germline): Uncertain significance. Review status: criteria provided, multiple submitters, no conflicts (2 of 4 stars). 2 submissions from 2 submitters: Uncertain significance (2). Last evaluated 2024-08-16.

Conditions:
Hereditary cancer-predisposing syndrome. Also called: Tumor predisposition; Neoplastic Syndromes, Hereditary; Hereditary neoplastic syndrome; Hereditary Cancer Syndrome. Identifiers: Orphanet 140162, MedGen C0027672, MeSH D009386, MONDO:0015356.
Familial cancer of breast. Also called: hereditary breast carcinoma; Hereditary breast cancer; BREAST CANCER, FAMILIAL. Identifiers: Orphanet 227535, MedGen C0346153, MONDO:0016419, OMIM 114480. Disease mechanism: loss of function.
Fanconi anemia complementation group J. Also called: BRIP1-Related Fanconi Anemia. Identifiers: Orphanet 84, MedGen C1836860, MONDO:0012187, OMIM 609054.

Allele frequency attached by ClinVar (database versions not stated): gnomAD exomes below 0.00001.
gnomAD v4.1: 1 of 1,613,864 alleles (0.000062%); highest among the groups gnomAD compares: Non-Finnish European, 0.000085%; no homozygotes.

Submissions (2):

Ambry Genetics
Classification: Uncertain significance for Hereditary cancer-predisposing syndrome. Last evaluated: 2024-08-16. Review status: criteria provided, single submitter. Criteria: Ambry Variant Classification Scheme 2023. Collection method: clinical testing. Allele origin: germline.
Comment: The p.E718D variant (also known as c.2154G>C), located in coding exon 14 of the BRIP1 gene, results from a G to C substitution at nucleotide position 2154. The glutamic acid at codon 718 is replaced by aspartic acid, an amino acid with highly similar properties. This amino acid position is conserved. In addition, the in silico prediction for this alteration is inconclusive. Based on the available evidence, the clinical significance of this variant remains unclear.

Labcorp Genetics (formerly Invitae), Labcorp
Classification: Uncertain significance for Familial cancer of breast; Fanconi anemia complementation group J. Last evaluated: 2022-02-08. Review status: criteria provided, single submitter. Criteria: Invitae Variant Classification Sherloc (09022015). Collection method: clinical testing. Allele origin: germline.
Comment: This sequence change replaces glutamic acid, which is acidic and polar, with aspartic acid, which is acidic and polar, at codon 718 of the BRIP1 protein (p.Glu718Asp). This variant is not present in population databases (gnomAD no frequency). This variant has not been reported in the literature in individuals affected with BRIP1-related conditions. Algorithms developed to predict the effect of missense changes on protein structure and function are either unavailable or do not agree on the potential impact of this missense change (SIFT: "Tolerated"; PolyPhen-2: "Probably Damaging"; Align-GVGD: "Class C0"). In summary, the available evidence is currently insufficient to determine the role of this variant in disease. Therefore, it has been classified as a Variant of Uncertain Significance.

NM_032043.3(BRIP1):c.2154G>C (p.Glu718Asp)

Gene: BRIP1 (BRCA1 interacting DNA helicase 1; minus strand). Cytogenetic location: 17q23.2.
Variant type: single nucleotide variant.
Coding change: c.2154G>C on transcript NM_032043.3 (MANE Select); coding-DNA position 2154, G replaced by C.
Protein change: p.Glu718Asp; replaces glutamic acid 718 with aspartic acid.
Molecular consequence: missense variant.
Genome position (GRCh38, 1-based): chr17:61,744,535, C>G on the plus strand (G>C on the coding strand, the complement: BRIP1 is on the minus strand). VCF-style: chr17-61744535-C-G. GRCh37 (hg19) VCF-style: chr17-59821896-C-G.
Other names: short protein forms E718D.
Identifiers: ClinVar variation 2095087 (VCV002095087.5), dbSNP rs1057523978, ClinGen allele CA400483171.